The following is an entry in ClinVar:

NM_001267550.2(TTN):c.90405T>C (p.Asp30135=)

Genes: TTN (titin; minus strand), TTN-AS1 (TTN antisense RNA 1; plus strand). Cytogenetic location: 2q31.2.
Variant type: single nucleotide variant.
Coding change: c.90405T>C on transcript NM_001267550.2 (MANE Select); coding-DNA position 90405, T replaced by C.
Protein change: p.Asp30135=; no amino-acid change (aspartic acid 30135 retained).
Molecular consequence: synonymous variant.
Genome position (GRCh38, 1-based): chr2:178,552,495, A>G on the plus strand (T>C on the coding strand, the complement: TTN is on the minus strand). VCF-style: chr2-178552495-A-G. GRCh37 (hg19) VCF-style: chr2-179417222-A-G.
Other names: c.85482T>C, p.Asp28494= (NM_001256850.1); c.63210T>C, p.Asp21070= (NM_003319.4); c.63585T>C, p.Asp21195= (NM_133432.3); c.63786T>C, p.Asp21262= (NM_133437.4); c.82701T>C, p.Asp27567= (NM_133378.4).
Identifiers: ClinVar variation 228163 (VCV000228163.17), dbSNP rs371945826, ClinGen allele CA10576463.

ClinVar aggregate classification (germline): Likely benign. Review status: criteria provided, multiple submitters, no conflicts (2 of 4 stars). 4 submissions from 4 submitters: Likely benign (4). Last evaluated 2025-11-26.

Conditions:
TTN-related disorder. Also called: TTN-related disorders; TTN-related condition; TTN-related disease.
Cardiovascular phenotype. Identifiers: MedGen CN230736.
Dilated cardiomyopathy 1G (CMD1G). Identifiers: Orphanet 154, MedGen C1858763, MONDO:0011400, OMIM 604145.
Autosomal recessive limb-girdle muscular dystrophy type 2J (LGMDR10). Also called: Limb-girdle muscular dystrophy, type 2J; MUSCULAR DYSTROPHY, LIMB-GIRDLE, AUTOSOMAL RECESSIVE 10. Identifiers: Orphanet 140922, MedGen C1837342, MONDO:0012127, OMIM 608807.

Allele frequency attached by ClinVar (database versions not stated): gnomAD exomes below 0.00001; gnomAD 0.00002; TOPMed 0.00004; ESP Exome Variant Server 0.00008.
gnomAD v4.1: 8 of 1,612,980 alleles (0.0005%); highest among the groups gnomAD compares: African/African-American, 0.011%; no homozygotes.

Submissions (4):

Labcorp Genetics (formerly Invitae), Labcorp
Classification: Likely benign for Dilated cardiomyopathy 1G; Autosomal recessive limb-girdle muscular dystrophy type 2J. Last evaluated: 2025-11-26. Review status: criteria provided, single submitter. Criteria: Invitae Variant Classification Sherloc (09022015). Collection method: clinical testing. Allele origin: germline.

PreventionGenetics, part of Exact Sciences
Classification: Likely benign for TTN-related condition. Last evaluated: 2025-07-24. Review status: criteria provided, single submitter. Criteria: ACMG Guidelines, 2015. Collection method: clinical testing. Allele origin: germline.
Comment: This variant is classified as likely benign based on ACMG/AMP sequence variant interpretation guidelines (Richards et al. 2015 PMID: 25741868, with internal and published modifications).

Ambry Genetics
Classification: Likely benign for Cardiovascular phenotype. Last evaluated: 2022-05-04. Review status: criteria provided, single submitter. Criteria: Ambry Variant Classification Scheme 2023. Collection method: clinical testing. Allele origin: germline.

Laboratory for Molecular Medicine, Mass General Brigham Personalized Medicine
Classification: Likely benign. Last evaluated: 2012-03-19. Review status: criteria provided, single submitter. Criteria: LMM Criteria. Collection method: clinical testing. Allele origin: germline. Observed: 1 variant allele.
Comment: p.Asp27567Asp in exon 284 of TTN: This variant is not expected to have clinical significance because it does not alter an amino acid residue and is not located within the splice consensus sequence. It has been identified in 1/3076 African A merican chromosomes from a broad population by the NHLBI Exome Sequencing Projec t.